The following is an entry in ClinVar:

NM_000038.6(APC):c.496A>G (p.Thr166Ala)

Gene: APC (APC regulator of Wnt signaling pathway; plus strand). Cytogenetic location: 5q22.2.
Variant type: single nucleotide variant.
Coding change: c.496A>G on transcript NM_000038.6 (MANE Select); coding-DNA position 496, A replaced by G.
Protein change: p.Thr166Ala; replaces threonine 166 with alanine.
Molecular consequence: missense variant. On other transcripts: 5 prime UTR variant (1).
Genome position (GRCh38, 1-based): chr5:112,775,702, A>G. VCF-style: chr5-112775702-A-G. GRCh37 (hg19) VCF-style: chr5-112111399-A-G.
Other names: c.496A>G, p.Thr166Ala (NM_001127510.3, NM_001354895.2, NM_001354896.2 and 2 more transcripts); c.526A>G, p.Thr176Ala (NM_001127511.3, NM_001354897.2, NM_001354902.2); c.421A>G, p.Thr141Ala (NM_001354898.2, NM_001354904.2); c.319A>G, p.Thr107Ala (NM_001354900.2, NM_001354901.2, NM_001354905.2); c.-540A>G (NM_001354906.2); short protein forms T176A, T166A, T107A, T141A.
Identifiers: ClinVar variation 576859 (VCV000576859.20), dbSNP rs889134189, ClinGen allele CA16022408.

ClinVar aggregate classification (germline): Uncertain significance. Review status: criteria provided, multiple submitters, no conflicts (2 of 4 stars). 4 submissions from 4 submitters: Uncertain significance (4). Last evaluated 2025-09-29.

Conditions:
Hereditary cancer-predisposing syndrome. Also called: Neoplastic Syndromes, Hereditary; Tumor predisposition; Hereditary Cancer Syndrome; Hereditary neoplastic syndrome. Identifiers: Orphanet 140162, MedGen C0027672, MeSH D009386, MONDO:0015356.
Familial adenomatous polyposis 1 (FAP1). Also called: FAMILIAL ADENOMATOUS POLYPOSIS 1, ATTENUATED; POLYPOSIS, ADENOMATOUS INTESTINAL. Identifiers: MedGen C2713442, MONDO:0021056, OMIM 175100. Disease mechanism: loss of function.
APC-related disorder. Also called: APC-related condition.

Allele frequency attached by ClinVar (database versions not stated): gnomAD exomes 0.00001.
gnomAD v4.1: 10 of 1,600,368 alleles (0.00062%); highest among the groups gnomAD compares: Non-Finnish European, 0.00085%; no homozygotes.

Submissions (4):

PreventionGenetics, part of Exact Sciences
Classification: Uncertain significance for APC-related condition. Last evaluated: 2025-09-29. Review status: criteria provided, single submitter. Criteria: ACMG Guidelines, 2015. Collection method: clinical testing. Allele origin: germline.
Comment: The APC c.496A>G variant is predicted to result in the amino acid substitution p.Thr166Ala. To our knowledge, this variant has not been reported in the literature or in a large population database, indicating this variant is rare. This variant is interpreted as uncertain in ClinVar (Variation ID: 576859). At this time, the clinical significance of this variant is uncertain due to the absence of conclusive functional and genetic evidence.

Labcorp Genetics (formerly Invitae), Labcorp
Classification: Uncertain significance for Familial adenomatous polyposis 1. Last evaluated: 2025-01-19. Review status: criteria provided, single submitter. Criteria: Invitae Variant Classification Sherloc (09022015). Collection method: clinical testing. Allele origin: germline.
Comment: This sequence change replaces threonine, which is neutral and polar, with alanine, which is neutral and non-polar, at codon 166 of the APC protein (p.Thr166Ala). This variant is not present in population databases (gnomAD no frequency). This variant has not been reported in the literature in individuals affected with APC-related conditions. ClinVar contains an entry for this variant (Variation ID: 576859). Invitae Evidence Modeling of protein sequence and biophysical properties (such as structural, functional, and spatial information, amino acid conservation, physicochemical variation, residue mobility, and thermodynamic stability) indicates that this missense variant is not expected to disrupt APC protein function with a negative predictive value of 95%. In summary, the available evidence is currently insufficient to determine the role of this variant in disease. Therefore, it has been classified as a Variant of Uncertain Significance.

Ambry Genetics
Classification: Uncertain significance for Hereditary cancer-predisposing syndrome. Last evaluated: 2024-03-11. Review status: criteria provided, single submitter. Criteria: Ambry Variant Classification Scheme 2023. Collection method: clinical testing. Allele origin: germline.
Comment: The p.T166A variant (also known as c.496A>G), located in coding exon 4 of the APC gene, results from an A to G substitution at nucleotide position 496. The threonine at codon 166 is replaced by alanine, an amino acid with similar properties. This amino acid position is highly conserved in available vertebrate species. In addition, in silico predictors for this gene do not accurately predict pathogenicity. Since supporting evidence is limited at this time, the clinical significance of this alteration remains unclear.

Color Diagnostics, LLC DBA Color Health
Classification: Uncertain significance for Hereditary cancer-predisposing syndrome. Last evaluated: 2023-12-04. Review status: criteria provided, single submitter. Criteria: ACMG Guidelines, 2015. Collection method: clinical testing. Allele origin: germline.
Comment: This missense variant replaces threonine with alanine at codon 166 of the APC protein. Computational prediction suggests that this variant may not impact protein structure and function (internally defined REVEL score threshold <= 0.5, PMID: 27666373). To our knowledge, functional studies have not been reported for this variant. This variant has not been reported in individuals affected with APC-related disorders in the literature. This variant has not been identified in the general population by the Genome Aggregation Database (gnomAD). The available evidence is insufficient to determine the role of this variant in disease conclusively. Therefore, this variant is classified as a Variant of Uncertain Significance.